The following is an entry in ClinVar:

NM_000059.4(BRCA2):c.3426T>A (p.Phe1142Leu)

Gene: BRCA2 (BRCA2 DNA repair associated; plus strand). Cytogenetic location: 13q13.1.
Variant type: single nucleotide variant.
Coding change: c.3426T>A on transcript NM_000059.4 (MANE Select); coding-DNA position 3426, T replaced by A.
Protein change: p.Phe1142Leu; replaces phenylalanine 1142 with leucine.
Molecular consequence: missense variant.
Genome position (GRCh38, 1-based): chr13:32,337,781, T>A. VCF-style: chr13-32337781-T-A. GRCh37 (hg19) VCF-style: chr13-32911918-T-A.
Other names: short protein forms F1142L.
Identifiers: ClinVar variation 481604 (VCV000481604.10), dbSNP rs760681272, ClinGen allele CA387776543.

ClinVar aggregate classification (germline): Conflicting classifications of pathogenicity. Review status: criteria provided, conflicting classifications (1 of 4 stars). 3 submissions from 3 submitters: Uncertain significance (2); Likely benign (1). Last evaluated 2025-12-20.

Conditions:
Hereditary cancer-predisposing syndrome. Also called: Neoplastic Syndromes, Hereditary; Tumor predisposition; Hereditary Cancer Syndrome; Hereditary neoplastic syndrome. Identifiers: Orphanet 140162, MedGen C0027672, MeSH D009386, MONDO:0015356.
Hereditary breast ovarian cancer syndrome. Also called: Hereditary breast and ovarian cancer syndrome; Hereditary breast and ovarian cancer; Hereditary breast and ovarian cancer syndrome (HBOC); Breast and ovarian cancer; Hereditary breast and/or ovarian cancer syndrome; BRCA1- and BRCA2-Associated Hereditary Breast and Ovarian Cancer. Identifiers: Orphanet 145, MedGen C0677776, MeSH D061325, MONDO:0003582. Disease mechanism: loss of function.

Allele frequency attached by ClinVar (database versions not stated): gnomAD exomes below 0.00001.
gnomAD v4.1: 1 of 1,614,072 alleles (0.000062%); highest among the groups gnomAD compares: Non-Finnish European, 0.000085%; no homozygotes.

Submissions (3):

Labcorp Genetics (formerly Invitae), Labcorp
Classification: Uncertain significance for Hereditary breast ovarian cancer syndrome. Last evaluated: 2025-12-20. Review status: criteria provided, single submitter. Criteria: Invitae Variant Classification Sherloc (09022015). Collection method: clinical testing. Allele origin: germline.
Comment: This sequence change replaces phenylalanine, which is neutral and non-polar, with leucine, which is neutral and non-polar, at codon 1142 of the BRCA2 protein (p.Phe1142Leu). This variant is not present in population databases (gnomAD no frequency). This variant has not been reported in the literature in individuals affected with BRCA2-related conditions. ClinVar contains an entry for this variant (Variation ID: 481604). Invitae Evidence Modeling of protein sequence and biophysical properties (such as structural, functional, and spatial information, amino acid conservation, physicochemical variation, residue mobility, and thermodynamic stability) indicates that this missense variant is not expected to disrupt BRCA2 protein function with a negative predictive value of 95%. In summary, the available evidence is currently insufficient to determine the role of this variant in disease. Therefore, it has been classified as a Variant of Uncertain Significance.

Ambry Genetics
Classification: Uncertain significance for Hereditary cancer-predisposing syndrome. Last evaluated: 2025-06-14. Review status: criteria provided, single submitter. Criteria: Ambry Variant Classification Scheme 2023. Collection method: clinical testing. Allele origin: germline.
Comment: The p.F1142L variant (also known as c.3426T>A), located in coding exon 10 of the BRCA2 gene, results from a T to A substitution at nucleotide position 3426. The phenylalanine at codon 1142 is replaced by leucine, an amino acid with highly similar properties. This amino acid position is poorly conserved in available vertebrate species, and leucine is the reference amino acid in several other vertebrate species. In addition, this alteration is predicted to be tolerated by in silico analysis. Since supporting evidence is limited at this time, the clinical significance of this alteration remains unclear.

University of Washington Department of Laboratory Medicine, University of Washington
Classification: Likely benign for Hereditary cancer-predisposing syndrome. Last evaluated: 2023-03-23. Review status: criteria provided, single submitter. Criteria: Dines et al. (Genet Med. 2020). Collection method: curation. Allele origin: germline.
Comment: Missense variant in a coldspot region where missense variants are very unlikely to be pathogenic (PMID:31911673).

BRCA2 exon 11 coldspot. Reclassification based on statistical prior probability.